The following is an entry in ClinVar:

ClinVar aggregate classification (germline): Uncertain significance. Review status: criteria provided, multiple submitters, no conflicts (2 of 4 stars). 2 submissions from 2 submitters: Uncertain significance (2). Last evaluated 2023-05-22.

Conditions:
Inborn genetic diseases. Identifiers: MedGen C0950123, MeSH D030342.
SPECC1L-related disorder. Also called: SPECC1L-related condition.

Allele frequency attached by ClinVar (database versions not stated): gnomAD 0.00001; gnomAD exomes 0.00001; ExAC 0.00002.
gnomAD v4.1: 6 of 1,613,986 alleles (0.00037%); highest among the groups gnomAD compares: Admixed American, 0.01%; no homozygotes.

Submissions (2):

PreventionGenetics, part of Exact Sciences
Classification: Uncertain significance for SPECC1L-related condition. Last evaluated: 2023-05-22. Review status: criteria provided, single submitter. Criteria: ACMG Guidelines, 2015. Collection method: clinical testing. Allele origin: germline.
Comment: The SPECC1L c.3259A>G variant is predicted to result in the amino acid substitution p.Thr1087Ala. To our knowledge, this variant has not been reported in the literature. This variant is reported in 0.017% of alleles in individuals of Latino descent in gnomAD. At this time, the clinical significance of this variant is uncertain due to the absence of conclusive functional and genetic evidence.

Ambry Genetics
Classification: Uncertain significance for Inborn genetic diseases. Last evaluated: 2022-06-28. Review status: criteria provided, single submitter. Criteria: Ambry Variant Classification Scheme 2023. Collection method: clinical testing. Allele origin: germline.

NM_015330.6(SPECC1L):c.3259A>G (p.Thr1087Ala)

Genes: SPECC1L (sperm antigen with calponin homology and coiled-coil domains 1 like; plus strand), SPECC1L-ADORA2A (SPECC1L-ADORA2A readthrough (NMD candidate); plus strand). Cytogenetic location: 22q11.23.
Variant type: single nucleotide variant.
Coding change: c.3259A>G on transcript NM_015330.6 (MANE Select); coding-DNA position 3259, A replaced by G.
Protein change: p.Thr1087Ala; replaces threonine 1087 with alanine.
Molecular consequence: missense variant. On other transcripts: non-coding transcript variant (1).
Genome position (GRCh38, 1-based): chr22:24,412,702, A>G. VCF-style: chr22-24412702-A-G. GRCh37 (hg19) VCF-style: chr22-24808670-A-G.
Other names: c.3259A>G, p.Thr1087Ala (NM_001145468.4); c.3142A>G, p.Thr1048Ala (NM_001254732.3); c.457A>G, p.Thr153Ala (NM_001254733.2); c.3259A>G (NM_015330.4); short protein forms T153A, T1048A, T1087A.
Identifiers: ClinVar variation 2408562 (VCV002408562.3), dbSNP rs747047404, ClinGen allele CA10152588.